The following is an entry in ClinVar:

NM_000419.5(ITGA2B):c.318G>C (p.Glu106Asp)

Gene: ITGA2B (integrin subunit alpha 2b; minus strand). Cytogenetic location: 17q21.31.
Variant type: single nucleotide variant.
Coding change: c.318G>C on transcript NM_000419.5 (MANE Select); coding-DNA position 318, G replaced by C.
Protein change: p.Glu106Asp; replaces glutamic acid 106 with aspartic acid.
Molecular consequence: missense variant.
Genome position (GRCh38, 1-based): chr17:44,385,914, C>G on the plus strand (G>C on the coding strand, the complement: ITGA2B is on the minus strand). VCF-style: chr17-44385914-C-G. GRCh37 (hg19) VCF-style: chr17-42463282-C-G.
Other names: short protein forms E106D.
Identifiers: ClinVar variation 2014689 (VCV002014689.4), dbSNP rs2510085264, ClinGen allele CA399806261.

ClinVar aggregate classification (germline): Uncertain significance (1 of 4 stars; one submission).

Conditions:
Glanzmann thrombasthenia. Also called: Thrombasthenia; BLEEDING DISORDER, PLATELET-TYPE, 2; THROMBASTHENIA OF GLANZMANN AND NAEGELI; Glanzmann's thrombasthenia; PLATELET GLYCOPROTEIN IIb-IIIa DEFICIENCY. Identifiers: Orphanet 849, MedGen C0040015, MONDO:0100326.

Submission:

Labcorp Genetics (formerly Invitae), Labcorp
Classification: Uncertain significance for Glanzmann thrombasthenia. Last evaluated: 2022-07-06. Review status: criteria provided, single submitter. Criteria: Invitae Variant Classification Sherloc (09022015). Collection method: clinical testing. Allele origin: germline.
Comment: Algorithms developed to predict the effect of missense changes on protein structure and function output the following: SIFT: "Tolerated"; PolyPhen-2: "Benign"; Align-GVGD: "Class C0". The aspartic acid amino acid residue is found in multiple mammalian species, which suggests that this missense change does not adversely affect protein function. In summary, the available evidence is currently insufficient to determine the role of this variant in disease. Therefore, it has been classified as a Variant of Uncertain Significance. This variant has not been reported in the literature in individuals affected with ITGA2B-related conditions. This sequence change replaces glutamic acid, which is acidic and polar, with aspartic acid, which is acidic and polar, at codon 106 of the ITGA2B protein (p.Glu106Asp). This variant is not present in population databases (gnomAD no frequency).